The following is an entry in ClinVar:

ClinVar aggregate classification (germline): Uncertain significance. Review status: criteria provided, multiple submitters, no conflicts (2 of 4 stars). 3 submissions from 3 submitters: Uncertain significance (3). Last evaluated 2025-06-27.

Conditions:
Dyskeratosis congenita, autosomal recessive 6 (DKCB6). Identifiers: MedGen C4225356, MONDO:0014600, OMIM 616353.
Pulmonary fibrosis and/or bone marrow failure, Telomere-related, 4. Also called: PULMONARY FIBROSIS AND/OR BONE MARROW FAILURE SYNDROME, TELOMERE-RELATED, 4. Identifiers: Orphanet 2032, MedGen C4225347, MONDO:0014612, OMIM 616371.
Inborn genetic diseases. Identifiers: MedGen C0950123, MeSH D030342.

Allele frequency attached by ClinVar (database versions not stated): ExAC 0.00001; gnomAD exomes 0.00002 and 0.00005; gnomAD 0.00004; TOPMed 0.00004.
gnomAD v4.1: 69 of 1,530,970 alleles (0.0045%); highest among the groups gnomAD compares: Non-Finnish European, 0.0057%; no homozygotes.

Submissions (3):

Labcorp Genetics (formerly Invitae), Labcorp
Classification: Uncertain significance for Dyskeratosis congenita, autosomal recessive 6; Pulmonary fibrosis and/or bone marrow failure, Telomere-related, 4. Last evaluated: 2025-06-27. Review status: criteria provided, single submitter. Criteria: Invitae Variant Classification Sherloc (09022015). Collection method: clinical testing. Allele origin: germline.
Comment: This sequence change replaces arginine, which is basic and polar, with glutamine, which is neutral and polar, at codon 128 of the PARN protein (p.Arg128Gln). The frequency data for this variant in the population databases is considered unreliable, as metrics indicate poor data quality at this position in the gnomAD database. This variant has not been reported in the literature in individuals affected with PARN-related conditions. ClinVar contains an entry for this variant (Variation ID: 854744). Invitae Evidence Modeling of protein sequence and biophysical properties (such as structural, functional, and spatial information, amino acid conservation, physicochemical variation, residue mobility, and thermodynamic stability) indicates that this missense variant is not expected to disrupt PARN protein function with a negative predictive value of 80%. Algorithms developed to predict the effect of sequence changes on RNA splicing suggest that this variant may disrupt the consensus splice site. In summary, the available evidence is currently insufficient to determine the role of this variant in disease. Therefore, it has been classified as a Variant of Uncertain Significance.

Ambry Genetics
Classification: Uncertain significance for Inborn genetic diseases. Last evaluated: 2024-08-19. Review status: criteria provided, single submitter. Criteria: Ambry Variant Classification Scheme 2023. Collection method: clinical testing. Allele origin: germline.

GeneDx
Classification: Uncertain significance. Last evaluated: 2019-04-01. Review status: criteria provided, single submitter. Criteria: GeneDx Variant Classification Process June 2021. Collection method: clinical testing. Allele origin: germline. Affected: yes.
Comment: In silico analysis, which includes protein predictors and evolutionary conservation, supports that this variant does not alter protein structure/function; Has not been previously published as pathogenic or benign to our knowledge

NM_002582.4(PARN):c.383G>A (p.Arg128Gln)

Gene: PARN (poly(A)-specific ribonuclease; minus strand). Cytogenetic location: 16p13.12.
Variant type: single nucleotide variant.
Coding change: c.383G>A on transcript NM_002582.4 (MANE Select); coding-DNA position 383, G replaced by A.
Protein change: p.Arg128Gln; replaces arginine 128 with glutamine.
Molecular consequence: missense variant.
Genome position (GRCh38, 1-based): chr16:14,617,595, C>T on the plus strand (G>A on the coding strand, the complement: PARN is on the minus strand). VCF-style: chr16-14617595-C-T. GRCh37 (hg19) VCF-style: chr16-14711452-C-T.
Other names: c.200G>A, p.Arg67Gln (NM_001134477.3); c.245G>A, p.Arg82Gln (NM_001242992.2); short protein forms R82Q, R67Q, R128Q.
Identifiers: ClinVar variation 854744 (VCV000854744.12), dbSNP rs778795386, ClinGen allele CA7912436.